The following is an entry in ClinVar:

NM_004273.5(CHST3):c.1058A>C (p.Glu353Ala)

Gene: CHST3 (carbohydrate sulfotransferase 3; plus strand). Cytogenetic location: 10q22.1.
Variant type: single nucleotide variant.
Coding change: c.1058A>C on transcript NM_004273.5 (MANE Select); coding-DNA position 1058, A replaced by C.
Protein change: p.Glu353Ala; replaces glutamic acid 353 with alanine.
Molecular consequence: missense variant.
Genome position (GRCh38, 1-based): chr10:72,008,089, A>C. VCF-style: chr10-72008089-A-C. GRCh37 (hg19) VCF-style: chr10-73767847-A-C.
Other names: short protein forms E353A.
Identifiers: ClinVar variation 1466678 (VCV001466678.7), dbSNP rs2131776149, ClinGen allele CA377150518.
Genomic context (GRCh38, chr10:72,008,089, plus strand): 5'-TGAGGGAAGAGGAGGTGCAGCGGCTGCGGGGCAACTGCGAGAGCATCCGCCTGTCCGCGG[A>C]GCTGGGGCTGCGGCAGCCCGCCTGGCTGCGGGGCCGCTACATGCTGGTGCGCTACGAGGA-3'
Protein context (NP_004264.2, residues 343-363): GNCESIRLSA[Glu353Ala]LGLRQPAWLR

ClinVar aggregate classification (germline): Uncertain significance (1 of 4 stars; one submission).

Conditions:
Spondyloepiphyseal dysplasia with congenital joint dislocations (SEDCJD). Also called: Chondrodysplasia with Congenital Joint Dislocations, CHST3-Related. Identifiers: Orphanet 263463, MedGen C1837657, MONDO:0007738, OMIM 143095.

Allele frequency attached by ClinVar (database versions not stated): gnomAD exomes 0.00002.
gnomAD v4.1: 20 of 1,545,280 alleles (0.0013%); highest among the groups gnomAD compares: Non-Finnish European, 0.0017%; no homozygotes.

Submission:

Labcorp Genetics (formerly Invitae), Labcorp
Classification: Uncertain significance for Spondyloepiphyseal dysplasia with congenital joint dislocations. Last evaluated: 2021-03-29. Review status: criteria provided, single submitter. Criteria: Invitae Variant Classification Sherloc (09022015). Collection method: clinical testing. Allele origin: germline.
Comment: In summary, the available evidence is currently insufficient to determine the role of this variant in disease. Therefore, it has been classified as a Variant of Uncertain Significance. Algorithms developed to predict the effect of missense changes on protein structure and function are either unavailable or do not agree on the potential impact of this missense change (SIFT: "Deleterious"; PolyPhen-2: "Probably Damaging"; Align-GVGD: "Class C15"). This variant has not been reported in the literature in individuals with CHST3-related conditions. The frequency data for this variant in the population databases is considered unreliable, as metrics indicate insufficient coverage at this position in the ExAC database. This sequence change replaces glutamic acid with alanine at codon 353 of the CHST3 protein (p.Glu353Ala). The glutamic acid residue is highly conserved and there is a moderate physicochemical difference between glutamic acid and alanine.